The following is an entry in ClinVar:

ClinVar aggregate classification (germline): Uncertain significance (1 of 4 stars; one submission).

Conditions:
Inborn genetic diseases. Identifiers: MedGen C0950123, MeSH D030342.

Submission:

Ambry Genetics
Classification: Uncertain significance for Inborn genetic diseases. Last evaluated: 2025-08-14. Review status: criteria provided, single submitter. Criteria: Ambry Variant Classification Scheme 2023. Collection method: clinical testing. Allele origin: germline.
Comment: The c.2629T>G (p.S877A) alteration is located in exon 16 (coding exon 15) of the SCN2A gene. This alteration results from a T to G substitution at nucleotide position 2629, causing the serine (S) at amino acid position 877 to be replaced by an alanine (A). This variant was not reported in population-based cohorts in the Genome Aggregation Database (gnomAD). This variant was reported in individual(s) with features consistent with SCN2A-related disorders (Ye, 2022). This amino acid position is highly conserved in available vertebrate species. This missense alteration is located in a region that has a low rate of benign missense variation (Lek, 2016; Firth, 2009). Based on insufficient or conflicting evidence, the clinical significance of this alteration remains unclear.

Literature cited by the submitters: PubMed 35709690.

NM_001040142.2(SCN2A):c.2629T>G (p.Ser877Ala)

Gene: SCN2A (sodium voltage-gated channel alpha subunit 2; plus strand). Cytogenetic location: 2q24.3.
Variant type: single nucleotide variant.
Coding change: c.2629T>G on transcript NM_001040142.2 (MANE Select); coding-DNA position 2629, T replaced by G.
Protein change: p.Ser877Ala; replaces serine 877 with alanine.
Molecular consequence: missense variant.
Genome position (GRCh38, 1-based): chr2:165,344,621, T>G. VCF-style: chr2-165344621-T-G. GRCh37 (hg19) VCF-style: chr2-166201131-T-G.
Other names: c.2629T>G, p.Ser877Ala (NM_001040143.2, NM_001371246.1, NM_001371247.1 and 1 more transcripts); short protein forms S877A.
Identifiers: ClinVar variation 4160595 (VCV004160595.1).